The following is an entry in ClinVar:

ClinVar aggregate classification (germline): Conflicting classifications of pathogenicity. Review status: criteria provided, conflicting classifications (1 of 4 stars). 9 submissions from 8 submitters: Uncertain significance (7); Likely benign (2). Last evaluated 2025-12-02.

Conditions:
Hereditary cancer-predisposing syndrome. Also called: Tumor predisposition; Neoplastic Syndromes, Hereditary; Hereditary Cancer Syndrome; Hereditary neoplastic syndrome. Identifiers: Orphanet 140162, MedGen C0027672, MeSH D009386, MONDO:0015356.
Cardiovascular phenotype. Identifiers: MedGen CN230736.
NF1-related disorder. Also called: NF1-related condition. Identifiers: MedGen CN379171.
Neurofibromatosis, type 1 (NF1). Also called: Peripheral type neurofibromatosis; Neurofibromatosis, type I; NEUROFIBROMATOSIS, TYPE I, SOMATIC; VON RECKLINGHAUSEN DISEASE. Identifiers: Orphanet 636, MedGen C0027831, MONDO:0018975, OMIM 162200. Disease mechanism: loss of function.

Allele frequency attached by ClinVar (database versions not stated): ExAC 0.00001; gnomAD 0.00001; gnomAD exomes 0.00001; TOPMed 0.00001.
gnomAD v4.1: 9 of 1,613,674 alleles (0.00056%); highest among the groups gnomAD compares: Admixed American, 0.0017%; no homozygotes.

Submissions (9):

Labcorp Genetics (formerly Invitae), Labcorp
Classification: Likely benign for Neurofibromatosis, type 1. Last evaluated: 2025-12-02. Review status: criteria provided, single submitter. Criteria: Invitae Variant Classification Sherloc (09022015). Collection method: clinical testing. Allele origin: germline.

PreventionGenetics, part of Exact Sciences
Classification: Uncertain significance for NF1-related condition. Last evaluated: 2025-11-11. Review status: criteria provided, single submitter. Criteria: ACMG Guidelines, 2015. Collection method: clinical testing. Allele origin: germline.
Comment: The NF1 c.2248A>G variant is predicted to result in the amino acid substitution p.Thr750Ala. To our knowledge, this variant has not been reported in the literature. This variant is reported in 0.0018% of alleles in individuals of European (Non-Finnish) descent in gnomAD. At this time, the clinical significance of this variant is uncertain due to the absence of conclusive functional and genetic evidence.

Women's Health and Genetics/Laboratory Corporation of America, LabCorp
Classification: Uncertain significance. Last evaluated: 2023-11-14. Review status: criteria provided, single submitter. Criteria: LabCorp Variant Classification Summary - May 2015. Collection method: clinical testing. Allele origin: germline.

CeGaT Center for Human Genetics Tuebingen
Classification: Likely benign. Last evaluated: 2023-03-01. Review status: criteria provided, single submitter. Criteria: CeGaT Center For Human Genetics Tuebingen Variant Classification Criteria Version 2. Collection method: clinical testing. Allele origin: germline. Affected: yes. Observed: 1 variant allele.
Comment: NF1: BP1

Genome-Nilou Lab
Classification: Uncertain significance for Neurofibromatosis, type 1. Last evaluated: 2022-03-15. Review status: criteria provided, single submitter. Criteria: ACMG Guidelines, 2015. Collection method: clinical testing. Allele origin: germline. Affected: no.

Ambry Genetics
Classification: Uncertain significance for Cardiovascular phenotype; Hereditary cancer-predisposing syndrome. Last evaluated: 2021-07-14. Review status: criteria provided, single submitter. Criteria: Ambry Variant Classification Scheme 2023. Collection method: clinical testing. Allele origin: germline.

GeneDx
Classification: Uncertain significance. Last evaluated: 2020-09-08. Review status: criteria provided, single submitter. Criteria: GeneDx Variant Classification Process June 2021. Collection method: clinical testing. Allele origin: germline. Affected: yes.
Comment: In silico analysis supports that this missense variant has a deleterious effect on protein structure/function; Observed in individuals with breast cancer (Yehia 2018); This variant is associated with the following publications: (PMID: 29684080)

Mendelics
Classification: Uncertain significance for Neurofibromatosis, type 1. Last evaluated: 2018-07-02. Review status: criteria provided, single submitter. Criteria: Mendelics Assertion Criteria 2017. Collection method: clinical testing. Allele origin: unknown.

Ambry Genetics
Classification: Uncertain significance for Hereditary cancer-predisposing syndrome. Last evaluated: 2015-05-21. Review status: criteria provided, single submitter. Criteria: Ambry Autosomal Dominant and X-Linked criteria (10/2015). Collection method: clinical testing. Allele origin: germline. Observed: 1 variant allele.
Comment: The p.T750A variant (also known as c.2248A>G), located in coding exon 18 of the NF1 gene, results from an A to G substitution at nucleotide position 2248. The threonine at codon 750 is replaced by alanine, an amino acid with similar properties. This variant was not reported in population based cohorts in the following databases: Database of Single Nucleotide Polymorphisms (dbSNP), NHLBI Exome Sequencing Project (ESP), and 1000 Genomes Project. In the ESP, this variant was not observed in 6503 samples (13006 alleles) with coverage at this position. To date, this alteration has been detected with an allele frequency of approximately 0.004% (greater than 55000 alleles tested) in our clinical cohort. This amino acid position is highly conserved in available vertebrate species. In addition, this alteration is predicted to be possibly damaging and tolerated by PolyPhen and SIFT in silico analyses, respectively. Since supporting evidence is limited at this time, the clinical significance of p.T750A remains unclear.

NM_001042492.3(NF1):c.2248A>G (p.Thr750Ala)

Gene: NF1 (neurofibromin 1; plus strand). Cytogenetic location: 17q11.2.
Variant type: single nucleotide variant.
Coding change: c.2248A>G on transcript NM_001042492.3 (MANE Select); coding-DNA position 2248, A replaced by G.
Protein change: p.Thr750Ala; replaces threonine 750 with alanine.
Molecular consequence: missense variant.
Genome position (GRCh38, 1-based): chr17:31,226,681, A>G. VCF-style: chr17-31226681-A-G. GRCh37 (hg19) VCF-style: chr17-29553699-A-G.
Other names: c.2248A>G, p.Thr750Ala (NM_000267.4); short protein forms T750A.
Identifiers: ClinVar variation 185917 (VCV000185917.44), dbSNP rs748064845, ClinGen allele CA193362.